The following is an entry in ClinVar:

ClinVar aggregate classification (germline): Uncertain significance. Review status: criteria provided, multiple submitters, no conflicts (2 of 4 stars). 2 submissions from 2 submitters: Uncertain significance (2). Last evaluated 2025-11-27.

Conditions:
Progressive sclerosing poliodystrophy (MTDPS4A). Also called: ALPERS PROGRESSIVE INFANTILE POLIODYSTROPHY; NEURONAL DEGENERATION OF CHILDHOOD WITH LIVER DISEASE, PROGRESSIVE; Mitochondrial DNA depletion syndrome 4A (Alpers type); Mitochondrial DNA Depletion Syndrome 4A; Alpers-Huttenlocher Syndrome (AHS); Alpers Syndrome. Identifiers: Orphanet 726, MedGen C0205710, MONDO:0008758, OMIM 203700.

Allele frequency attached by ClinVar (database versions not stated): ExAC 0.00001.

Submissions (2):

Labcorp Genetics (formerly Invitae), Labcorp
Classification: Uncertain significance for Progressive sclerosing poliodystrophy. Last evaluated: 2025-11-27. Review status: criteria provided, single submitter. Criteria: Invitae Variant Classification Sherloc (09022015). Collection method: clinical testing. Allele origin: germline.
Comment: This sequence change replaces tryptophan, which is neutral and slightly polar, with cysteine, which is neutral and slightly polar, at codon 572 of the POLG protein (p.Trp572Cys). This variant is present in population databases (rs767709505, gnomAD 0.003%). This variant has not been reported in the literature in individuals affected with POLG-related conditions. ClinVar contains an entry for this variant (Variation ID: 2581603). Invitae Evidence Modeling of protein sequence and biophysical properties (such as structural, functional, and spatial information, amino acid conservation, physicochemical variation, residue mobility, and thermodynamic stability) indicates that this missense variant is expected to disrupt POLG protein function with a positive predictive value of 95%. In summary, the available evidence is currently insufficient to determine the role of this variant in disease. Therefore, it has been classified as a Variant of Uncertain Significance.

Women's Health and Genetics/Laboratory Corporation of America, LabCorp
Classification: Uncertain significance. Last evaluated: 2023-08-09. Review status: criteria provided, single submitter. Criteria: LabCorp Variant Classification Summary - May 2015. Collection method: clinical testing. Allele origin: germline.
Comment: Variant summary: POLG c.1716G>T (p.Trp572Cys) results in a non-conservative amino acid change located in the DNA-directed DNA polymerase, family A, palm domain (IPR001098) of the encoded protein sequence. Five of five in-silico tools predict a damaging effect of the variant on protein function. The variant allele was found at a frequency of 4.1e-06 in 243974 control chromosomes. The available data on variant occurrences in the general population are insufficient to allow any conclusion about variant significance. To our knowledge, no occurrence of c.1716G>T in individuals affected with Mitochondrial DNA Depletion Syndrome - POLG Related and no experimental evidence demonstrating its impact on protein function have been reported. No submitters have cited clinical-significance assessments for this variant to ClinVar after 2014. Based on the evidence outlined above, the variant was classified as uncertain significance.

NM_002693.3(POLG):c.1716G>T (p.Trp572Cys)

Gene: POLG (DNA polymerase gamma, catalytic subunit; minus strand). Cytogenetic location: 15q26.1.
Variant type: single nucleotide variant.
Coding change: c.1716G>T on transcript NM_002693.3 (MANE Select); coding-DNA position 1716, G replaced by T.
Protein change: p.Trp572Cys; replaces tryptophan 572 with cysteine.
Molecular consequence: missense variant.
Genome position (GRCh38, 1-based): chr15:89,325,683, C>A on the plus strand (G>T on the coding strand, the complement: POLG is on the minus strand). VCF-style: chr15-89325683-C-A. GRCh37 (hg19) VCF-style: chr15-89868914-C-A.
Other names: c.1716G>T, p.Trp572Cys (NM_001126131.2); short protein forms W572C.
Identifiers: ClinVar variation 2581603 (VCV002581603.4), dbSNP rs767709505, ClinGen allele CA7724704.